The following is an entry in ClinVar:

ClinVar aggregate classification (germline): Uncertain significance (1 of 4 stars; one submission).

Allele frequency attached by ClinVar (database versions not stated): gnomAD exomes below 0.00001.
gnomAD v4.1: 1 of 1,580,568 alleles (0.000063%); highest among the groups gnomAD compares: Non-Finnish European, 0.000086%; no homozygotes.

Submission:

Labcorp Genetics (formerly Invitae), Labcorp
Classification: Uncertain significance. Last evaluated: 2022-03-27. Review status: criteria provided, single submitter. Criteria: Invitae Variant Classification Sherloc (09022015). Collection method: clinical testing. Allele origin: germline.
Comment: In summary, the available evidence is currently insufficient to determine the role of this variant in disease. Therefore, it has been classified as a Variant of Uncertain Significance. Algorithms developed to predict the effect of missense changes on protein structure and function (SIFT, PolyPhen-2, Align-GVGD) all suggest that this variant is likely to be tolerated. This variant has not been reported in the literature in individuals affected with TOP2B-related conditions. This variant is not present in population databases (gnomAD no frequency). This sequence change replaces aspartic acid, which is acidic and polar, with glutamic acid, which is acidic and polar, at codon 964 of the TOP2B protein (p.Asp964Glu).

NM_001330700.2(TOP2B):c.2907T>A (p.Asp969Glu)

Gene: TOP2B (DNA topoisomerase II beta; minus strand). Cytogenetic location: 3p24.2.
Variant type: single nucleotide variant.
Coding change: c.2907T>A on transcript NM_001330700.2 (MANE Select); coding-DNA position 2907, T replaced by A.
Protein change: p.Asp969Glu; replaces aspartic acid 969 with glutamic acid.
Molecular consequence: missense variant.
Genome position (GRCh38, 1-based): chr3:25,620,018, A>T on the plus strand (T>A on the coding strand, the complement: TOP2B is on the minus strand). VCF-style: chr3-25620018-A-T. GRCh37 (hg19) VCF-style: chr3-25661509-A-T.
Other names: c.2892T>A, p.Asp964Glu (NM_001068.3); short protein forms D964E, D969E.
Identifiers: ClinVar variation 1961090 (VCV001961090.5), dbSNP rs2470326734, ClinGen allele CA351898899.